The following is an entry in ClinVar:

ClinVar aggregate classification (germline): Uncertain significance (1 of 4 stars; one submission).

Allele frequency attached by ClinVar (database versions not stated): TOPMed 0.00001; ESP Exome Variant Server 0.00008.

Submission:

Labcorp Genetics (formerly Invitae), Labcorp
Classification: Uncertain significance. Last evaluated: 2021-10-12. Review status: criteria provided, single submitter. Criteria: Invitae Variant Classification Sherloc (09022015). Collection method: clinical testing. Allele origin: germline.
Comment: Algorithms developed to predict the effect of missense changes on protein structure and function are either unavailable or do not agree on the potential impact of this missense change (SIFT: "Deleterious"; PolyPhen-2: "Probably Damaging"; Align-GVGD: "Class C0"). This variant has not been reported in the literature in individuals affected with CLCC1-related conditions. This variant is present in population databases (rs150318832, ExAC 0.002%). This sequence change replaces tyrosine with cysteine at codon 351 of the CLCC1 protein (p.Tyr351Cys). The tyrosine residue is highly conserved and there is a large physicochemical difference between tyrosine and cysteine. In summary, the available evidence is currently insufficient to determine the role of this variant in disease. Therefore, it has been classified as a Variant of Uncertain Significance.

NM_001377458.1(CLCC1):c.1052A>G (p.Tyr351Cys)

Gene: CLCC1 (chloride channel CLIC like 1; minus strand). Cytogenetic location: 1p13.3.
Variant type: single nucleotide variant.
Coding change: c.1052A>G on transcript NM_001377458.1 (MANE Select); coding-DNA position 1052, A replaced by G.
Protein change: p.Tyr351Cys; replaces tyrosine 351 with cysteine.
Molecular consequence: missense variant. On other transcripts: non-coding transcript variant (1).
Genome position (GRCh38, 1-based): chr1:108,937,408, T>C on the plus strand (A>G on the coding strand, the complement: CLCC1 is on the minus strand). VCF-style: chr1-108937408-T-C. GRCh37 (hg19) VCF-style: chr1-109480030-T-C.
Other names: c.1052A>G, p.Tyr351Cys (NM_001048210.3, NM_001377459.1, NM_001377460.1 and 8 more transcripts); c.689A>G, p.Tyr230Cys (NM_001278202.2); c.497A>G, p.Tyr166Cys (NM_001278203.1); c.950A>G, p.Tyr317Cys (NM_001377469.1); c.761A>G, p.Tyr254Cys (NM_001377470.1); c.902A>G, p.Tyr301Cys (NM_015127.5); short protein forms Y317C, Y351C, Y254C, Y230C, Y301C, Y166C.
Identifiers: ClinVar variation 1517511 (VCV001517511.6), dbSNP rs150318832, ClinGen allele CA983405.